The following is an entry in ClinVar:

NM_201384.3(PLEC):c.6819G>A (p.Met2273Ile)

Gene: PLEC (plectin; minus strand). Cytogenetic location: 8q24.3.
Variant type: single nucleotide variant.
Coding change: c.6819G>A on transcript NM_201384.3 (MANE Select); coding-DNA position 6819, G replaced by A.
Protein change: p.Met2273Ile; replaces methionine 2273 with isoleucine.
Molecular consequence: missense variant.
Genome position (GRCh38, 1-based): chr8:143,923,110, C>T on the plus strand (G>A on the coding strand, the complement: PLEC is on the minus strand). VCF-style: chr8-143923110-C-T. GRCh37 (hg19) VCF-style: chr8-144997278-C-T.
Other names: c.6900G>A, p.Met2300Ile (NM_000445.5); c.6777G>A, p.Met2259Ile (NM_201378.4); c.6753G>A, p.Met2251Ile (NM_201379.3); c.7230G>A, p.Met2410Ile (NM_201380.4); c.6723G>A, p.Met2241Ile (NM_201381.3); c.6819G>A, p.Met2273Ile (NM_201382.4); c.6831G>A, p.Met2277Ile (NM_201383.3); short protein forms M2241I, M2251I, M2259I, M2273I, M2277I, M2300I, M2410I.
Identifiers: ClinVar variation 450487 (VCV000450487.3), dbSNP rs1330572071, ClinGen allele CA372532222.

ClinVar aggregate classification (germline): Uncertain significance. Review status: criteria provided, multiple submitters, no conflicts (2 of 4 stars). 2 submissions from 2 submitters: Uncertain significance (2). Last evaluated 2025-07-28.

Conditions:
Epidermolysis bullosa simplex 5B, with muscular dystrophy (EBS5B). Also called: EPIDERMOLYSIS BULLOSA SIMPLEX AND LIMB-GIRDLE MUSCULAR DYSTROPHY; Epidermolysis bullosa simplex with muscular dystrophy. Identifiers: Orphanet 257, MedGen C2931072, MONDO:0009181, OMIM 226670.
Epidermolysis bullosa simplex, Ogna type (EBS5A). Also called: EPIDERMOLYSIS BULLOSA SIMPLEX 5A, OGNA TYPE; Pidermolysis bullosa simplex 5A, Ogna type. Identifiers: Orphanet 79401, MedGen C0432317, MONDO:0007555, OMIM 131950.
Epidermolysis bullosa simplex 5C, with pyloric atresia (EBS5C). Also called: PLEC1-Related Epidermolysis Bullosa with Pyloric Atresia; PLEC-Related Epidermolysis Bullosa with Pyloric Atresia; Epidermolysis bullosa simplex with pyloric atresia. Identifiers: Orphanet 158684, MedGen C2677349, MONDO:0012807, OMIM 612138.
Epidermolysis bullosa simplex with nail dystrophy (EBS5D). Identifiers: MedGen C4225309, MONDO:0014661, OMIM 616487.
Autosomal recessive limb-girdle muscular dystrophy type 2Q (LGMDR17). Also called: MUSCULAR DYSTROPHY, LIMB-GIRDLE, AUTOSOMAL RECESSIVE 17. Identifiers: Orphanet 254361, MedGen C3150989, MONDO:0013390, OMIM 613723.

Allele frequency attached by ClinVar (database versions not stated): TOPMed 0.00001.
gnomAD v4.1: 3 of 1,605,526 alleles (0.00019%); highest among the groups gnomAD compares: Non-Finnish European, 0.00025%; no homozygotes.

Submissions (2):

Labcorp Genetics (formerly Invitae), Labcorp
Classification: Uncertain significance for Autosomal recessive limb-girdle muscular dystrophy type 2Q; Epidermolysis bullosa simplex, Ogna type; Epidermolysis bullosa simplex with nail dystrophy; Epidermolysis bullosa simplex 5C, with pyloric atresia; Epidermolysis bullosa simplex 5B, with muscular dystrophy. Last evaluated: 2025-07-28. Review status: criteria provided, single submitter. Criteria: Invitae Variant Classification Sherloc (09022015). Collection method: clinical testing. Allele origin: germline.
Comment: This sequence change replaces methionine, which is neutral and non-polar, with isoleucine, which is neutral and non-polar, at codon 2300 of the PLEC protein (p.Met2300Ile). This variant is not present in population databases (gnomAD no frequency). This variant has not been reported in the literature in individuals affected with PLEC-related conditions. ClinVar contains an entry for this variant (Variation ID: 450487). An algorithm developed to predict the effect of missense changes on protein structure and function (PolyPhen-2) suggests that this variant is likely to be disruptive. In summary, the available evidence is currently insufficient to determine the role of this variant in disease. Therefore, it has been classified as a Variant of Uncertain Significance.

GeneDx
Classification: Uncertain significance. Last evaluated: 2017-07-18. Review status: criteria provided, single submitter. Criteria: GeneDx Variant Classification (06012015). Collection method: clinical testing. Allele origin: germline. Affected: yes.
Comment: The M2300I variant has not been published as a pathogenic variant, nor has it been reported as a benign variant to our knowledge. The M2300I variant is not observed in large population cohorts (Lek et al., 2016; 1000 Genomes Consortium et al., 2015; Exome Variant Server). This variant is a conservative amino acid substitution, which is not likely to impact secondary protein structure as these residues share similar properties. This substitution occurs at a position that is not conserved. Additionally, most reported pathogenic variants in the PLEC gene are truncating/loss-of-function. In silico analysis is inconsistent in its predictions as to whether or not the variant is damaging to the protein structure/function.